The following is an entry in ClinVar:

NM_001290043.2(TAP2):c.1345C>T (p.Arg449Ter)

Gene: TAP2 (transporter 2, ATP binding cassette subfamily B member; minus strand). Cytogenetic location: 6p21.32.
Variant type: single nucleotide variant.
Coding change: c.1345C>T on transcript NM_001290043.2 (MANE Select); coding-DNA position 1345, C replaced by T.
Protein change: p.Arg449Ter; replaces arginine 449 with a stop codon.
Molecular consequence: nonsense.
Genome position (GRCh38, 1-based): chr6:32,830,734, G>A on the plus strand (C>T on the coding strand, the complement: TAP2 is on the minus strand). VCF-style: chr6-32830734-G-A. GRCh37 (hg19) VCF-style: chr6-32798511-G-A.
Other names: c.1345C>T, p.Arg449Ter (NM_000544.3, NM_018833.3); short protein forms R449*.
Identifiers: ClinVar variation 1032425 (VCV001032425.32), dbSNP rs765335850, ClinGen allele CA3745931.

ClinVar aggregate classification (germline): Conflicting classifications of pathogenicity. Review status: criteria provided, conflicting classifications (1 of 4 stars). 2 submissions from 2 submitters: Pathogenic (1); Uncertain significance (1). Last evaluated 2025-12-23.

Conditions:
MHC class I deficiency. Identifiers: Orphanet 34592, MedGen C6024714, MONDO:0011476.

Allele frequency attached by ClinVar (database versions not stated): gnomAD exomes 0.00002 and 0.00011; gnomAD 0.00003; ExAC 0.00006; TOPMed 0.00006.

Submissions (2):

Labcorp Genetics (formerly Invitae), Labcorp
Classification: Pathogenic for MHC class I deficiency 1. Last evaluated: 2025-12-23. Review status: criteria provided, single submitter. Criteria: Invitae Variant Classification Sherloc (09022015). Collection method: clinical testing. Allele origin: germline.
Comment: This sequence change creates a premature translational stop signal (p.Arg449*) in the TAP2 gene. It is expected to result in an absent or disrupted protein product. Loss-of-function variants in TAP2 are known to be pathogenic (PMID: 7517574, 11529920, 12067308, 23662797). This variant is present in population databases (rs765335850, gnomAD 0.08%). This premature translational stop signal has been observed in individual(s) with HLA class I (also known as MHC class I) deficiency (PMID: 23662797). ClinVar contains an entry for this variant (Variation ID: 1032425). Algorithms developed to predict the effect of sequence changes on RNA splicing suggest that this variant may disrupt the consensus splice site. For these reasons, this variant has been classified as Pathogenic.

CeGaT Center for Human Genetics Tuebingen
Classification: Uncertain significance. Last evaluated: 2022-07-01. Review status: criteria provided, single submitter. Criteria: CeGaT Center For Human Genetics Tuebingen Variant Classification Criteria Version 2. Collection method: clinical testing. Allele origin: germline. Affected: yes. Observed: 1 variant allele.
Comment: TAP2: PM2, PVS1:Moderate, PS4:Supporting

Literature cited by the submitters: PubMed 7517574 (cited by Labcorp Genetics (formerly Invitae), Labcorp); PubMed 11529920 (cited by Labcorp Genetics (formerly Invitae), Labcorp); PubMed 12067308 (cited by Labcorp Genetics (formerly Invitae), Labcorp); PubMed 23662797 (cited by Labcorp Genetics (formerly Invitae), Labcorp).